The following is an entry in ClinVar:

ClinVar aggregate classification (germline): Conflicting classifications of pathogenicity. Review status: criteria provided, conflicting classifications (1 of 4 stars). 2 submissions from 2 submitters: Uncertain significance (1); Likely benign (1). Last evaluated 2025-09-24.

Conditions:
Tumor predisposition syndrome 3 (TPDS3). Also called: Melanoma, cutaneous malignant, susceptibility to, 10; LONG TELOMERE SYNDROME, POT1-RELATED; POT1 Tumor Predisposition; Glioma susceptibility 9. Identifiers: Orphanet 618, MedGen C4014476, MONDO:0014368, OMIM 615848.
Hereditary cancer-predisposing syndrome. Also called: Tumor predisposition; Neoplastic Syndromes, Hereditary; Hereditary neoplastic syndrome; Hereditary Cancer Syndrome. Identifiers: Orphanet 140162, MedGen C0027672, MeSH D009386, MONDO:0015356.

Submissions (2):

Ambry Genetics
Classification: Likely benign for Hereditary cancer-predisposing syndrome. Last evaluated: 2025-09-24. Review status: criteria provided, single submitter. Criteria: Ambry Variant Classification Scheme 2023. Collection method: clinical testing. Allele origin: germline.

Labcorp Genetics (formerly Invitae), Labcorp
Classification: Uncertain significance for Tumor predisposition syndrome 3. Last evaluated: 2024-08-26. Review status: criteria provided, single submitter. Criteria: Invitae Variant Classification Sherloc (09022015). Collection method: clinical testing. Allele origin: germline.
Comment: This sequence change replaces aspartic acid, which is acidic and polar, with glycine, which is neutral and non-polar, at codon 410 of the POT1 protein (p.Asp410Gly). This variant is not present in population databases (gnomAD no frequency). This variant has not been reported in the literature in individuals affected with POT1-related conditions. ClinVar contains an entry for this variant (Variation ID: 581842). Invitae Evidence Modeling of protein sequence and biophysical properties (such as structural, functional, and spatial information, amino acid conservation, physicochemical variation, residue mobility, and thermodynamic stability) indicates that this missense variant is not expected to disrupt POT1 protein function with a negative predictive value of 80%. In summary, the available evidence is currently insufficient to determine the role of this variant in disease. Therefore, it has been classified as a Variant of Uncertain Significance.

NM_015450.3(POT1):c.1229A>G (p.Asp410Gly)

Gene: POT1 (protection of telomeres 1; minus strand). Cytogenetic location: 7q31.33.
Variant type: single nucleotide variant.
Coding change: c.1229A>G on transcript NM_015450.3 (MANE Select); coding-DNA position 1229, A replaced by G.
Protein change: p.Asp410Gly; replaces aspartic acid 410 with glycine.
Molecular consequence: missense variant. On other transcripts: non-coding transcript variant (3).
Genome position (GRCh38, 1-based): chr7:124,841,113, T>C on the plus strand (A>G on the coding strand, the complement: POT1 is on the minus strand). VCF-style: chr7-124841113-T-C. GRCh37 (hg19) VCF-style: chr7-124481167-T-C.
Other names: c.836A>G, p.Asp279Gly (NM_001042594.2); short protein forms D410G, D279G.
Identifiers: ClinVar variation 581842 (VCV000581842.11), dbSNP rs1562980939, ClinGen allele CA369067525.
Genomic context (GRCh38, chr7:124,841,113, plus strand): 5'-TTTTGATTTTTAGTGGTCCAGATTTTTGAATCATATAATGATGTATTTTGTAGCTTGACA[T>C]CTGGGGTTTTAGTTGCACCATCCTGAAAAATTATATCCAAATCGCCCTCATGTGGAACTT-3'
Protein context (NP_056265.2, residues 400-420): IFQDGATKTP[Asp410Gly]VKLQNTSLYD